The following is an entry in ClinVar:

NM_004655.4(AXIN2):c.1211G>A (p.Arg404Lys)

Gene: AXIN2 (axin 2; minus strand). Cytogenetic location: 17q24.1.
Variant type: single nucleotide variant.
Coding change: c.1211G>A on transcript NM_004655.4 (MANE Select); coding-DNA position 1211, G replaced by A.
Protein change: p.Arg404Lys; replaces arginine 404 with lysine.
Molecular consequence: missense variant.
Genome position (GRCh38, 1-based): chr17:65,537,825, C>T on the plus strand (G>A on the coding strand, the complement: AXIN2 is on the minus strand). VCF-style: chr17-65537825-C-T. GRCh37 (hg19) VCF-style: chr17-63533943-C-T.
Other names: c.1211G>A, p.Arg404Lys (NM_001363813.1); short protein forms R404K.
Identifiers: ClinVar variation 961488 (VCV000961488.10), dbSNP rs2043963273, ClinGen allele CA400677957.
Genomic context (GRCh38, chr17:65,537,825, plus strand): 5'-GAGAGGGGGTGCTGCGTGGGCGCCCCCTCCCGCGAATTGAGTGTGAGCTCGGAGCCCTCT[C>T]TCTCTTCATCCTGAAAGGGAAGACGTCAGAAGGAGAAGTGACCCAGGAAGCAGAAGGGCC-3'
Protein context (NP_004646.3, residues 394-414): RLQQIREDEE[Arg404Lys]EGSELTLNSR

ClinVar aggregate classification (germline): Conflicting classifications of pathogenicity. Review status: criteria provided, conflicting classifications (1 of 4 stars). 2 submissions from 2 submitters: Uncertain significance (1); Likely benign (1). Last evaluated 2025-09-03.

Conditions:
Hereditary cancer-predisposing syndrome. Also called: Tumor predisposition; Hereditary neoplastic syndrome; Hereditary Cancer Syndrome; Neoplastic Syndromes, Hereditary. Identifiers: Orphanet 140162, MedGen C0027672, MeSH D009386, MONDO:0015356.
Oligodontia-cancer predisposition syndrome. Also called: TOOTH AGENESIS-COLORECTAL CANCER SYNDROME. Identifiers: Orphanet 300576, MedGen C1837750, MONDO:0012075, OMIM 608615. Disease mechanism: loss of function.

Submissions (2):

Labcorp Genetics (formerly Invitae), Labcorp
Classification: Uncertain significance for Oligodontia-cancer predisposition syndrome. Last evaluated: 2025-09-03. Review status: criteria provided, single submitter. Criteria: Invitae Variant Classification Sherloc (09022015). Collection method: clinical testing. Allele origin: germline.
Comment: This sequence change replaces arginine, which is basic and polar, with lysine, which is basic and polar, at codon 404 of the AXIN2 protein (p.Arg404Lys). This variant is not present in population databases (gnomAD no frequency). This variant has not been reported in the literature in individuals affected with AXIN2-related conditions. ClinVar contains an entry for this variant (Variation ID: 961488). Invitae Evidence Modeling of protein sequence and biophysical properties (such as structural, functional, and spatial information, amino acid conservation, physicochemical variation, residue mobility, and thermodynamic stability) indicates that this missense variant is not expected to disrupt AXIN2 protein function with a negative predictive value of 80%. In summary, the available evidence is currently insufficient to determine the role of this variant in disease. Therefore, it has been classified as a Variant of Uncertain Significance.

Ambry Genetics
Classification: Likely benign for Hereditary cancer-predisposing syndrome. Last evaluated: 2023-10-13. Review status: criteria provided, single submitter. Criteria: Ambry Variant Classification Scheme 2023. Collection method: clinical testing. Allele origin: germline.